The following is an entry in ClinVar:

NM_001374385.1(ATP8B1):c.2595C>T (p.Cys865=)

Genes: ATP8B1 (ATPase phospholipid transporting 8B1; minus strand), ATP8B1-AS1 (ATP8B1 antisense RNA 1; plus strand). Cytogenetic location: 18q21.31.
Variant type: single nucleotide variant.
Coding change: c.2595C>T on transcript NM_001374385.1 (MANE Select); coding-DNA position 2595, C replaced by T.
Protein change: p.Cys865=; no amino-acid change (cysteine 865 retained).
Molecular consequence: synonymous variant.
Genome position (GRCh38, 1-based): chr18:57,661,286, G>A on the plus strand (C>T on the coding strand, the complement: ATP8B1 is on the minus strand). VCF-style: chr18-57661286-G-A. GRCh37 (hg19) VCF-style: chr18-55328518-G-A.
Other names: c.2445C>T, p.Cys815= (NM_001374386.1); c.2595C>T, p.Cys865= (NM_005603.6).
Identifiers: ClinVar variation 392974 (VCV000392974.11), dbSNP rs201885528, ClinGen allele CA8974219.

ClinVar aggregate classification (germline): Conflicting classifications of pathogenicity. Review status: criteria provided, conflicting classifications (1 of 4 stars). 4 submissions from 4 submitters: Uncertain significance (2); Benign (1). 1 of the submissions does not count toward it. Last evaluated 2025-12-28.

Conditions:
ATP8B1-related disorder. Also called: ATP8B1-related condition; ATP8B1-related disorders.

Allele frequency attached by ClinVar (database versions not stated): gnomAD exomes 0.00024 and 0.00065; TOPMed 0.00043; gnomAD 0.00045 and 0.00046; ExAC 0.00061; 1000 Genomes Project 30x 0.00094; 1000 Genomes Project 0.00100.
gnomAD v4.1: 429 of 1,613,986 alleles (0.027%); highest among the groups gnomAD compares: Admixed American, 0.05%; 1 homozygote.

Submissions (4):

Labcorp Genetics (formerly Invitae), Labcorp
Classification: Benign. Last evaluated: 2025-12-28. Review status: criteria provided, single submitter. Criteria: Invitae Variant Classification Sherloc (09022015). Collection method: clinical testing. Allele origin: germline.

Eurofins Ntd Llc (ga)
Classification: Uncertain significance. Last evaluated: 2018-08-23. Review status: criteria provided, single submitter. Criteria: EGL ClinVar v180209 classification definitions. Collection method: clinical testing. Allele origin: germline. Observed: 1 variant allele, 1 heterozygote.

GeneDx
Classification: Uncertain significance. Last evaluated: 2017-12-14. Review status: criteria provided, single submitter. Criteria: GeneDx Variant Classification (06012015). Collection method: clinical testing. Allele origin: germline. Affected: yes.
Comment: The c.2595 C>T variant has not been published as a pathogenic variant, nor has it been reported as a benign variant to our knowledge. The c.2595 C>T variant was observed in 0.4%-1.4% of alleles from individuals of mixed American and Puerto Rican background (Lek et al., 2016; 1000 Genomes Project Consortium). This c.2595 C>T nucleotide substitution occurs at a position that is conserved across species. Several in-silico splice prediction models predict that c.2595 C>T does not affect normal gene splicing. However, in the absence of RNA/functional studies, the actual effect of this sequence change in this individual is unknown. In summary, based on the currently available information, it is unclear whether this variant is a pathogenic variant or a rare benign variant.

PreventionGenetics, part of Exact Sciences
Classification: Likely benign for ATP8B1-related condition. Last evaluated: 2021-12-07. Review status: no assertion criteria provided. Collection method: clinical testing. Allele origin: germline. Not counted in ClinVar's aggregate classification.
Comment: This variant is classified as likely benign based on ACMG/AMP sequence variant interpretation guidelines (Richards et al. 2015 PMID: 25741868, with internal and published modifications).